The following is an entry in ClinVar:

ClinVar aggregate classification (germline): Likely benign (1 of 4 stars; one submission).

Conditions:
EP300-related disorder. Also called: EP300-related condition; EP300-related disorders.

Submission:

PreventionGenetics, part of Exact Sciences
Classification: Likely benign for EP300-related condition. Last evaluated: 2024-10-30. Review status: criteria provided, single submitter. Criteria: ACMG Guidelines, 2015. Collection method: clinical testing. Allele origin: germline.
Comment: This variant is classified as likely benign based on ACMG/AMP sequence variant interpretation guidelines (Richards et al. 2015 PMID: 25741868, with internal and published modifications).

NM_001429.4(EP300):c.2892T>C (p.Ser964=)

Genes: EP300 (EP300 lysine acetyltransferase; plus strand), LOC126863158 (BRD4-independent group 4 enhancer GRCh37_chr22:41547383-41548582; plus strand). Cytogenetic location: 22q13.2.
Variant type: single nucleotide variant.
Coding change: c.2892T>C on transcript NM_001429.4 (MANE Select); coding-DNA position 2892, T replaced by C.
Protein change: p.Ser964=; no amino-acid change (serine 964 retained).
Molecular consequence: synonymous variant.
Genome position (GRCh38, 1-based): chr22:41,151,907, T>C. VCF-style: chr22-41151907-T-C. GRCh37 (hg19) VCF-style: chr22-41547911-T-C.
Other names: c.2814T>C, p.Ser938= (NM_001362843.2).
Identifiers: ClinVar variation 4987477 (VCV004987477.1).